The following is an entry in ClinVar:

NM_000038.6(APC):c.3400G>A (p.Asp1134Asn)

Gene: APC (APC regulator of Wnt signaling pathway; plus strand). Cytogenetic location: 5q22.2.
Variant type: single nucleotide variant.
Coding change: c.3400G>A on transcript NM_000038.6 (MANE Select); coding-DNA position 3400, G replaced by A.
Protein change: p.Asp1134Asn; replaces aspartic acid 1134 with asparagine.
Molecular consequence: missense variant.
Genome position (GRCh38, 1-based): chr5:112,838,994, G>A. VCF-style: chr5-112838994-G-A. GRCh37 (hg19) VCF-style: chr5-112174691-G-A.
Other names: c.3400G>A, p.Asp1134Asn (NM_001127510.3, NM_001354895.2); c.3346G>A, p.Asp1116Asn (NM_001127511.3); c.3454G>A, p.Asp1152Asn (NM_001354896.2); c.3430G>A, p.Asp1144Asn (NM_001354897.2); c.3325G>A, p.Asp1109Asn (NM_001354898.2); c.3316G>A, p.Asp1106Asn (NM_001354899.2); c.3277G>A, p.Asp1093Asn (NM_001354900.2); c.3223G>A, p.Asp1075Asn (NM_001354901.2); and 5 more; short protein forms D1008N, D1106N, D1109N, D1144N, D1033N, D1075N, D1093N, D1116N.
Identifiers: ClinVar variation 823728 (VCV000823728.17), dbSNP rs1580635041, ClinGen allele CA16028784.

ClinVar aggregate classification (germline): Uncertain significance. Review status: criteria provided, multiple submitters, no conflicts (2 of 4 stars). 5 submissions from 5 submitters: Uncertain significance (5). Last evaluated 2025-01-29.

Conditions:
Hereditary cancer-predisposing syndrome. Also called: Neoplastic Syndromes, Hereditary; Tumor predisposition; Hereditary neoplastic syndrome; Hereditary Cancer Syndrome. Identifiers: Orphanet 140162, MedGen C0027672, MeSH D009386, MONDO:0015356.
Familial adenomatous polyposis 1 (FAP1). Also called: POLYPOSIS, ADENOMATOUS INTESTINAL; FAMILIAL ADENOMATOUS POLYPOSIS 1, ATTENUATED. Identifiers: MedGen C2713442, MONDO:0021056, OMIM 175100. Disease mechanism: loss of function.

Allele frequency attached by ClinVar (database versions not stated): gnomAD exomes below 0.00001.
gnomAD v4.1: 2 of 1,614,070 alleles (0.00012%); highest among the groups gnomAD compares: African/African-American, 0.0013%; no homozygotes.

Submissions (5):

Labcorp Genetics (formerly Invitae), Labcorp
Classification: Uncertain significance for Familial adenomatous polyposis 1. Last evaluated: 2025-01-29. Review status: criteria provided, single submitter. Criteria: Invitae Variant Classification Sherloc (09022015). Collection method: clinical testing. Allele origin: germline.
Comment: This sequence change replaces aspartic acid, which is acidic and polar, with asparagine, which is neutral and polar, at codon 1134 of the APC protein (p.Asp1134Asn). This variant is not present in population databases (gnomAD no frequency). This variant has not been reported in the literature in individuals affected with APC-related conditions. ClinVar contains an entry for this variant (Variation ID: 823728). Invitae Evidence Modeling of protein sequence and biophysical properties (such as structural, functional, and spatial information, amino acid conservation, physicochemical variation, residue mobility, and thermodynamic stability) indicates that this missense variant is not expected to disrupt APC protein function with a negative predictive value of 95%. In summary, the available evidence is currently insufficient to determine the role of this variant in disease. Therefore, it has been classified as a Variant of Uncertain Significance.

ARUP Laboratories, Molecular Genetics and Genomics, ARUP Laboratories
Classification: Uncertain significance. Last evaluated: 2024-12-19. Review status: criteria provided, single submitter. Criteria: ARUP Molecular Germline Variant Investigation Process 2024. Collection method: clinical testing. Allele origin: germline.
Comment: The APC c.3400G>A; p.Asp1134Asn variant (rs1580635041), to our knowledge, is not reported in the medical literature but is reported in ClinVar (Variation ID: 823728). This variant is also absent from the Genome Aggregation Database (v2.1.1), indicating it is not a common polymorphism. Computational analyses are uncertain whether this variant is neutral or deleterious (REVEL: 0.354). Due to limited information, the clinical significance of this variant is uncertain at this time.

Baylor Genetics
Classification: Uncertain significance for Familial adenomatous polyposis 1. Last evaluated: 2023-05-26. Review status: criteria provided, single submitter. Criteria: ACMG Guidelines, 2015. Collection method: clinical testing. Allele origin: unknown.

GeneDx
Classification: Uncertain significance. Last evaluated: 2022-05-02. Review status: criteria provided, single submitter. Criteria: GeneDx Variant Classification Process June 2021. Collection method: clinical testing. Allele origin: germline. Affected: yes.
Comment: Not observed at significant frequency in large population cohorts (gnomAD); In silico analysis supports that this missense variant does not alter protein structure/function; Has not been previously published as pathogenic or benign to our knowledge; This variant is associated with the following publications: (PMID: 18199528)

Ambry Genetics
Classification: Uncertain significance for Hereditary cancer-predisposing syndrome. Last evaluated: 2022-01-18. Review status: criteria provided, single submitter. Criteria: Ambry Variant Classification Scheme 2023. Collection method: clinical testing. Allele origin: germline.
Comment: The p.D1134N variant (also known as c.3400G>A), located in coding exon 15 of the APC gene, results from a G to A substitution at nucleotide position 3400. The aspartic acid at codon 1134 is replaced by asparagine, an amino acid with highly similar properties. This amino acid position is highly conserved in available vertebrate species. In addition, in silico predictors for this gene do not accurately predict pathogenicity. Since supporting evidence is limited at this time, the clinical significance of this alteration remains unclear.